The following is an entry in ClinVar:

ClinVar aggregate classification (germline): Uncertain significance (1 of 4 stars; one submission).

Conditions:
STING-associated vasculopathy with onset in infancy. Also called: Sting-associated vasculopathy, infantile-onset. Identifiers: Orphanet 425120, MedGen C4014722, MONDO:0014405, OMIM 615934.

Allele frequency attached by ClinVar (database versions not stated): ExAC 0.00002; gnomAD exomes below 0.00001.
gnomAD v4.1: 10 of 1,613,736 alleles (0.00062%); highest among the groups gnomAD compares: African/African-American, 0.0013%; no homozygotes.

Submission:

Labcorp Genetics (formerly Invitae), Labcorp
Classification: Uncertain significance for STING-associated vasculopathy with onset in infancy. Last evaluated: 2025-10-18. Review status: criteria provided, single submitter. Criteria: Invitae Variant Classification Sherloc (09022015). Collection method: clinical testing. Allele origin: germline.
Comment: This sequence change replaces histidine, which is basic and polar, with tyrosine, which is neutral and polar, at codon 74 of the TMEM173 protein (p.His74Tyr). This variant is present in population databases (rs745727679, gnomAD 0.003%). This variant has not been reported in the literature in individuals affected with TMEM173-related conditions. ClinVar contains an entry for this variant (Variation ID: 1680275). Invitae Evidence Modeling of protein sequence and biophysical properties (such as structural, functional, and spatial information, amino acid conservation, physicochemical variation, residue mobility, and thermodynamic stability) indicates that this missense variant is not expected to disrupt TMEM173 protein function with a negative predictive value of 80%. In summary, the available evidence is currently insufficient to determine the role of this variant in disease. Therefore, it has been classified as a Variant of Uncertain Significance.

NM_198282.4(STING1):c.220C>T (p.His74Tyr)

Gene: STING1 (stimulator of interferon response cGAMP interactor 1; minus strand). Cytogenetic location: 5q31.2.
Variant type: single nucleotide variant.
Coding change: c.220C>T on transcript NM_198282.4 (MANE Select); coding-DNA position 220, C replaced by T.
Protein change: p.His74Tyr; replaces histidine 74 with tyrosine.
Molecular consequence: missense variant. On other transcripts: intron variant (1).
Genome position (GRCh38, 1-based): chr5:139,481,485, G>A on the plus strand (C>T on the coding strand, the complement: STING1 is on the minus strand). VCF-style: chr5-139481485-G-A. GRCh37 (hg19) VCF-style: chr5-138861070-G-A.
Other names: c.220C>T, p.His74Tyr (NM_001301738.2); c.-130-143C>T (NM_001367258.1); short protein forms H74Y.
Identifiers: ClinVar variation 1680275 (VCV001680275.8), dbSNP rs745727679, ClinGen allele CA3435479.
Genomic context (GRCh38, chr5:139,481,485, plus strand): 5'-CAAGGGAGTGACACACGTTGGATACCCCGTCCCTGGGTACTGCAGTGAGTCACCTGGAGT[G>A]GATGTGGCGCAGCTCCTCAGCCAGGCTGCAGACCCCGTTTAACAGCAGTCCCAGCTGCAG-3'
Protein context (NP_938023.1, residues 64-84): CSLAEELRHI[His74Tyr]SRYRGSYWRT